The following is an entry in ClinVar:

NM_000138.5(FBN1):c.6453C>G (p.Cys2151Trp)

Gene: FBN1 (fibrillin 1; minus strand). Cytogenetic location: 15q21.1.
Variant type: single nucleotide variant.
Coding change: c.6453C>G on transcript NM_000138.5 (MANE Select); coding-DNA position 6453, C replaced by G.
Protein change: p.Cys2151Trp; replaces cysteine 2151 with tryptophan.
Molecular consequence: missense variant.
Genome position (GRCh38, 1-based): chr15:48,437,004, G>C on the plus strand (C>G on the coding strand, the complement: FBN1 is on the minus strand). VCF-style: chr15-48437004-G-C. GRCh37 (hg19) VCF-style: chr15-48729201-G-C.
Other names: p.C2151W:TGC>TGG; short protein forms C2151W.
Identifiers: ClinVar variation 200086 (VCV000200086.3), dbSNP rs794728251, ClinGen allele CA016487.
Genomic context (GRCh38, chr15:48,437,004, plus strand): 5'-GAAAACTTATTACTCACCTACACATTCATTCCCTGCTAGAATATAACCAAAGGGACACTC[G>C]CAGCGATAGGAACCATCTGTATTGATGCACTGTCCATGTTTACAGACATCGGGTTCTTTG-3'
Protein context (NP_000129.3, residues 2141-2161): QCINTDGSYR[Cys2151Trp]ECPFGYILAG

ClinVar aggregate classification (germline): Pathogenic. Review status: criteria provided, multiple submitters, no conflicts (2 of 4 stars). 2 submissions from 2 submitters: Pathogenic (2). Last evaluated 2022-12-21.

Submissions (2):

Center for Personalized Medicine, Children's Hospital Los Angeles
Classification: Pathogenic. Last evaluated: 2022-12-21. Review status: criteria provided, single submitter. Criteria: ACMG Guidelines, 2015. Collection method: clinical testing. Allele origin: inherited. Affected: yes.

GeneDx
Classification: Pathogenic. Last evaluated: 2018-04-20. Review status: criteria provided, single submitter. Criteria: GeneDx Variant Classification (06012015). Collection method: clinical testing. Allele origin: germline. Affected: yes.
Comment: C2151W is a non-conservative amino acid substitution as these residues differ in polarity, charge, size and/or other properties and is more likely to impact secondary structure. This substitution occurs at a position that is highly conserved across species. A mutation in the same residue (C2151R) and mutations in nearby residues (R2150C, C2153Y) have been reported in association with Marfan syndrome, supporting the functional importance of this residue and this region of the protein. Furthermore, the C2151W mutation was not observed in approximately 6500 individuals of European and African American ancestry in the NHLBI Exome Sequencing Project, indicating it is not a common benign variant in these populations. The variant is found in TAAD panel(s).